The following is an entry in ClinVar:

ClinVar aggregate classification (germline): Likely benign (1 of 4 stars; one submission).

Conditions:
MYCBP2-related disorder. Also called: MYCBP2-related condition.

gnomAD v4.1: 109 of 1,561,984 alleles (0.007%); highest among the groups gnomAD compares: Admixed American, 0.081%; no homozygotes.

Submission:

PreventionGenetics, part of Exact Sciences
Classification: Likely benign for MYCBP2-related condition. Last evaluated: 2026-09-17. Review status: criteria provided, single submitter. Criteria: ACMG Guidelines, 2015. Collection method: clinical testing. Allele origin: germline.
Comment: This variant is classified as likely benign based on ACMG/AMP sequence variant interpretation guidelines (Richards et al. 2015 PMID: 25741868, with internal and published modifications).

NM_015057.5(MYCBP2):c.153G>A (p.Leu51=)

Genes: MYCBP2 (MYC binding protein 2; minus strand), LOC130009920 (ATAC-STARR-seq lymphoblastoid silent region 5418; plus strand). Cytogenetic location: 13q22.3.
Variant type: single nucleotide variant.
Coding change: c.153G>A on transcript NM_015057.5 (MANE Select); coding-DNA position 153, G replaced by A.
Protein change: p.Leu51=; no amino-acid change (leucine 51 retained).
Molecular consequence: synonymous variant.
Genome position (GRCh38, 1-based): chr13:77,326,623, C>T on the plus strand (G>A on the coding strand, the complement: MYCBP2 is on the minus strand). VCF-style: chr13-77326623-C-T. GRCh37 (hg19) VCF-style: chr13-77900758-C-T.
Identifiers: ClinVar variation 4980807 (VCV004980807.1).